The following is an entry in ClinVar:

NM_001104631.2(PDE4D):c.891G>A (p.Arg297=)

Gene: PDE4D (phosphodiesterase 4D; minus strand). Cytogenetic location: 5q11.2.
Variant type: single nucleotide variant.
Coding change: c.891G>A on transcript NM_001104631.2 (MANE Select); coding-DNA position 891, G replaced by A.
Protein change: p.Arg297=; no amino-acid change (arginine 297 retained).
Molecular consequence: synonymous variant. On other transcripts: 5 prime UTR variant (2).
Genome position (GRCh38, 1-based): chr5:59,038,889, C>T on the plus strand (G>A on the coding strand, the complement: PDE4D is on the minus strand). VCF-style: chr5-59038889-C-T. GRCh37 (hg19) VCF-style: chr5-58334716-C-T.
Other names: c.708G>A, p.Arg236= (NM_001165899.2, NM_001364599.1); c.699G>A, p.Arg233= (NM_001197218.2); c.525G>A, p.Arg175= (NM_001197219.2); c.501G>A, p.Arg167= (NM_001197220.2); c.-16G>A (NM_001197221.2, NM_001364603.1); c.219G>A, p.Arg73= (NM_001197222.2); c.678G>A, p.Arg226= (NM_001349241.2); c.561G>A, p.Arg187= (NM_001349242.2); and 2 more.
Identifiers: ClinVar variation 353996 (VCV000353996.29), dbSNP rs369034280, ClinGen allele CA3276260.

ClinVar aggregate classification (germline): Benign/Likely benign. Review status: criteria provided, multiple submitters, no conflicts (2 of 4 stars). 5 submissions from 5 submitters: Benign (3); Likely benign (2). Last evaluated 2026-01-20.

Conditions:
Acrodysostosis 2 with or without hormone resistance. Also called: ACRODYSOSTOSIS 2 WITH HORMONE RESISTANCE; ACRODYSOSTOSIS 2 WITHOUT HORMONE RESISTANCE. Identifiers: Orphanet 280651, MedGen C3553250, MONDO:0013822, OMIM 614613.

Allele frequency attached by ClinVar (database versions not stated): ESP Exome Variant Server 0.00032; gnomAD exomes 0.00041; gnomAD 0.00051 and 0.00053; ExAC 0.00061; TOPMed 0.00061.
gnomAD v4.1: 517 of 1,589,562 alleles (0.033%); highest among the groups gnomAD compares: Middle Eastern, 0.35%; 2 homozygotes.

Submissions (5):

Labcorp Genetics (formerly Invitae), Labcorp
Classification: Benign. Last evaluated: 2026-01-20. Review status: criteria provided, single submitter. Criteria: Invitae Variant Classification Sherloc (09022015). Collection method: clinical testing. Allele origin: germline.

CeGaT Center for Human Genetics Tuebingen
Classification: Likely benign. Last evaluated: 2025-02-01. Review status: criteria provided, single submitter. Criteria: CeGaT Center For Human Genetics Tuebingen Variant Classification Criteria Version 2. Collection method: clinical testing. Allele origin: germline. Affected: yes. Observed: 1 variant allele.
Comment: PDE4D: BP4

Blueprint Genetics
Classification: Likely benign. Last evaluated: 2024-11-25. Review status: criteria provided, single submitter. Criteria: ACMG Guidelines, 2015. Collection method: clinical testing. Allele origin: germline.

Illumina Laboratory Services, Illumina
Classification: Benign for Acrodysostosis 2 with or without hormone resistance. Last evaluated: 2018-01-13. Review status: criteria provided, single submitter. Criteria: ICSL Variant Classification Criteria 13 December 2019. Collection method: clinical testing. Allele origin: germline.
Comment: This variant was observed in the ICSL laboratory as part of a predisposition screen in an ostensibly healthy population. It had not been previously curated by ICSL or reported in the Human Gene Mutation Database (HGMD: prior to June 1st, 2018), and was therefore a candidate for classification through an automated scoring system. Utilizing variant allele frequency, disease prevalence and penetrance estimates, and inheritance mode, an automated score was calculated to assess if this variant is too frequent to cause the disease. Based on the score and internal cut-off values, a variant classified as benign is not then subjected to further curation. The score for this variant resulted in a classification of benign for this disease.

Breakthrough Genomics
Classification: Benign. Review status: criteria provided, single submitter. Criteria: ACMG Guidelines, 2015. Collection method: not provided. Allele origin: germline. Inheritance: Autosomal dominant inheritance. Affected: yes.